The following is an entry in ClinVar:

NM_006361.6(HOXB13):c.271C>A (p.Arg91=)

Gene: HOXB13 (homeobox B13; minus strand). Cytogenetic location: 17q21.32.
Variant type: single nucleotide variant.
Coding change: c.271C>A on transcript NM_006361.6 (MANE Select); coding-DNA position 271, C replaced by A.
Protein change: p.Arg91=; no amino-acid change (arginine 91 retained).
Molecular consequence: synonymous variant.
Genome position (GRCh38, 1-based): chr17:48,728,323, G>T on the plus strand (C>A on the coding strand, the complement: HOXB13 is on the minus strand). VCF-style: chr17-48728323-G-T. GRCh37 (hg19) VCF-style: chr17-46805685-G-T.
Identifiers: ClinVar variation 821709 (VCV000821709.11), dbSNP rs749195398, ClinGen allele CA8634030.
Genomic context (GRCh38, chr17:48,728,323, plus strand): 5'-CGGGGTACGCGGCCAGGGTGGCTGCCTGGGCACAGGGTTTCAGCGAGCTCCGGGACACTC[G>T]GCAGGAGTAGTACCCGCCTCCAAAGTAACCATAAGGCACGGGAGCTGGGGACGTCCCCTG-3'
Protein context (NP_006352.2, residues 81-101): GYFGGGYYSC[Arg91=]VSRSSLKPCA

ClinVar aggregate classification (germline): Benign/Likely benign. Review status: criteria provided, multiple submitters, no conflicts (2 of 4 stars). 3 submissions from 3 submitters: Benign (1); Likely benign (2). Last evaluated 2025-08-20.

Conditions:
Prostate cancer, hereditary, 9 (HPC9). Identifiers: Orphanet 1331, MedGen C1970250, MONDO:0012597, OMIM 610997.
Hereditary cancer-predisposing syndrome. Also called: Tumor predisposition; Hereditary Cancer Syndrome; Neoplastic Syndromes, Hereditary; Hereditary neoplastic syndrome. Identifiers: Orphanet 140162, MedGen C0027672, MeSH D009386, MONDO:0015356.

Allele frequency attached by ClinVar (database versions not stated): gnomAD exomes below 0.00001; ExAC 0.00001; gnomAD 0.00001 and 0.00002.
gnomAD v4.1: 2 of 1,613,840 alleles (0.00012%); highest among the groups gnomAD compares: African/African-American, 0.0027%; no homozygotes.

Submissions (3):

Labcorp Genetics (formerly Invitae), Labcorp
Classification: Likely benign. Last evaluated: 2025-08-20. Review status: criteria provided, single submitter. Criteria: Invitae Variant Classification Sherloc (09022015). Collection method: clinical testing. Allele origin: germline.

Myriad Genetics, Inc.
Classification: Benign for Prostate cancer, hereditary, 9. Last evaluated: 2024-10-29. Review status: criteria provided, single submitter. Criteria: Myriad Autosomal Dominant, Autosomal Recessive and X-Linked Classification Criteria (2023). Collection method: clinical testing. Allele origin: unknown.
Comment: This variant is considered benign. This variant is a silent/synonymous amino acid change and it is not expected to impact splicing.

Ambry Genetics
Classification: Likely benign for Hereditary cancer-predisposing syndrome. Last evaluated: 2019-10-25. Review status: criteria provided, single submitter. Criteria: Ambry Variant Classification Scheme 2023. Collection method: clinical testing. Allele origin: germline.